The following is an entry in ClinVar:

NM_005670.4(EPM2A):c.639_640delinsAA (p.Pro214Thr)

Gene: EPM2A (EPM2A glucan phosphatase, laforin; minus strand). Cytogenetic location: 6q24.3.
Variant type: Indel.
Coding change: c.639_640delinsAA on transcript NM_005670.4 (MANE Select); coding-DNA positions 639 to 640, TC replaced by AA.
Protein change: p.Pro214Thr; replaces proline 214 with threonine.
Molecular consequence: missense variant. On other transcripts: intron variant (1).
Genome position (GRCh38, 1-based): chr6:145,635,323-145,635,324, GA replaced by TT on the plus strand (TC replaced by AA on the coding strand, the reverse complement: EPM2A is on the minus strand). VCF-style: chr6-145635323-GA-TT. GRCh37 (hg19) VCF-style: chr6-145956459-GA-TT.
Other names: c.639_640delinsAA, p.Pro214Thr (NM_001018041.2, NM_001368130.1); c.225_226delinsAA, p.Pro76Thr (NM_001360064.2, NM_001360071.2, NM_001368131.1); c.177_178delinsAA, p.Pro60Thr (NM_001368129.2, NM_001368132.1); c.477-7631_477-7630delinsAA (NM_001360057.2); short protein forms P76T, P60T, P214T.
Identifiers: ClinVar variation 205445 (VCV000205445.10), dbSNP rs1554256996, ClinGen allele CA314522.

ClinVar aggregate classification (germline): Uncertain significance (1 of 4 stars; one submission).

Conditions:
Progressive myoclonic epilepsy. Also called: Myoclonus epilepsy; Progressive myoclonus epilepsy; Familial progressive myoclonic epilepsy; Myoclonic Epilepsies, Progressive. Identifiers: Orphanet 308, Orphanet 98261, MedGen C0751778, MONDO:0020074.

Submission:

Labcorp Genetics (formerly Invitae), Labcorp
Classification: Uncertain significance for Progressive myoclonic epilepsy. Last evaluated: 2022-02-03. Review status: criteria provided, single submitter. Criteria: Invitae Variant Classification Sherloc (09022015). Collection method: clinical testing. Allele origin: germline.
Comment: In summary, the available evidence is currently insufficient to determine the role of this variant in disease. Therefore, it has been classified as a Variant of Uncertain Significance. This sequence change replaces proline, which is neutral and non-polar, with threonine, which is neutral and polar, at codon 214 of the EPM2A protein (p.Pro214Thr). Information on the frequency of this variant in the gnomAD database is not available, as this variant may be reported differently in the database. This variant has not been reported in the literature in individuals affected with EPM2A-related conditions. ClinVar contains an entry for this variant (Variation ID: 205445). Experimental studies and prediction algorithms are not available or were not evaluated, and the functional significance of this variant is currently unknown.